The following is an entry in ClinVar:

ClinVar aggregate classification (germline): Uncertain significance. Review status: criteria provided, multiple submitters, no conflicts (2 of 4 stars). 4 submissions from 4 submitters: Uncertain significance (3). 1 of the submissions does not count toward it. Last evaluated 2025-10-13.

Conditions:
Cardiofaciocutaneous syndrome 4 (CFC4). Also called: MAP2K2-Related Cardiofaciocutaneous Syndrome. Identifiers: Orphanet 1340, MedGen C3809007, MONDO:0014114, OMIM 615280.
RASopathy. Also called: Noonan spectrum disorder; rasopathies. Identifiers: Orphanet 536391, MedGen C5555857, MONDO:0021060.

Allele frequency attached by ClinVar (database versions not stated): gnomAD exomes 0.00001 and 0.00002; ExAC 0.00002; gnomAD 0.00002; TOPMed 0.00002.
gnomAD v4.1: 32 of 1,597,168 alleles (0.002%); highest among the groups gnomAD compares: Non-Finnish European, 0.0023%; no homozygotes.

Submissions (4):

Labcorp Genetics (formerly Invitae), Labcorp
Classification: Uncertain significance for RASopathy. Last evaluated: 2025-10-13. Review status: criteria provided, single submitter. Criteria: Invitae Variant Classification Sherloc (09022015). Collection method: clinical testing. Allele origin: germline.
Comment: This sequence change affects codon 176 of the MAP2K2 mRNA. It is a 'silent' change, meaning that it does not change the encoded amino acid sequence of the MAP2K2 protein. This variant also falls at the last nucleotide of exon 4, which is part of the consensus splice site for this exon. The frequency data for this variant in the population databases is considered unreliable, as metrics indicate poor data quality at this position in the gnomAD database. This variant has not been reported in the literature in individuals affected with MAP2K2-related conditions. ClinVar contains an entry for this variant (Variation ID: 1174505). Variants that disrupt the consensus splice site are a relatively common cause of aberrant splicing (PMID: 17576681, 9536098). Algorithms developed to predict the effect of sequence changes on RNA splicing suggest that this variant is not likely to affect RNA splicing. In summary, the available evidence is currently insufficient to determine the role of this variant in disease. Therefore, it has been classified as a Variant of Uncertain Significance.

Blueprint Genetics
Classification: Uncertain significance. Last evaluated: 2024-06-12. Review status: criteria provided, single submitter. Criteria: ACMG Guidelines, 2015. Collection method: clinical testing. Allele origin: germline.

Fulgent Genetics
Classification: Uncertain significance for Cardiofaciocutaneous syndrome 4. Last evaluated: 2021-12-30. Review status: criteria provided, single submitter. Criteria: ACMG Guidelines, 2015. Collection method: clinical testing. Allele origin: unknown.

Clinical Genetics Laboratory, University Hospital Schleswig-Holstein
Classification: Likely pathogenic for Cardiofaciocutaneous syndrome 4. Last evaluated: 2021-05-05. Review status: no assertion criteria provided. Collection method: clinical testing. Allele origin: germline. Affected: yes. Not counted in ClinVar's aggregate classification.

Literature cited by the submitters: PubMed 17576681 (cited by Labcorp Genetics (formerly Invitae), Labcorp); PubMed 9536098 (cited by Labcorp Genetics (formerly Invitae), Labcorp).

NM_030662.4(MAP2K2):c.528G>A (p.Ala176=)

Gene: MAP2K2 (mitogen-activated protein kinase kinase 2; minus strand). Cytogenetic location: 19p13.3.
Variant type: single nucleotide variant.
Coding change: c.528G>A on transcript NM_030662.4 (MANE Select); coding-DNA position 528, G replaced by A.
Protein change: p.Ala176=; no amino-acid change (alanine 176 retained).
Molecular consequence: synonymous variant.
Genome position (GRCh38, 1-based): chr19:4,102,376, C>T on the plus strand (G>A on the coding strand, the complement: MAP2K2 is on the minus strand). VCF-style: chr19-4102376-C-T. GRCh37 (hg19) VCF-style: chr19-4102374-C-T.
Identifiers: ClinVar variation 1174505 (VCV001174505.12), dbSNP rs767939999, ClinGen allele CA9090946.